The following is an entry in ClinVar:

ClinVar aggregate classification (germline): Benign/Likely benign. Review status: criteria provided, multiple submitters, no conflicts (2 of 4 stars). 10 submissions from 8 submitters: Benign (4); Likely benign (6). Last evaluated 2026-01-27.

Conditions:
Charcot-Marie-Tooth disease axonal type 2X. Also called: CHARCOT-MARIE-TOOTH DISEASE, AXONAL, AUTOSOMAL RECESSIVE, TYPE 2X; CHARCOT-MARIE-TOOTH NEUROPATHY, TYPE 2X. Identifiers: Orphanet 466775, MedGen C5569024, MONDO:0014726, OMIM 616668.
Hereditary spastic paraplegia. Also called: Familial spastic paraparesis. Identifiers: Orphanet 685, MedGen C0037773, MONDO:0019064. Disease mechanism: loss of function.
Hereditary spastic paraplegia 11. Also called: Spastic paraplegia, mental retardation and thin corpus callosum; SPASTIC PARAPLEGIA, AUTOSOMAL RECESSIVE, COMPLICATED, WITH THIN CORPUS CALLOSUM; SPASTIC PARAPLEGIA, AUTOSOMAL RECESSIVE, WITH MENTAL IMPAIRMENT AND THIN CORPUS CALLOSUM; Spastic Paraplegia 11; Nakamura Osame syndrome; Autosomal recessive hereditary spastic paraplegia, mental impairment, and thin corpus callosum. Identifiers: Orphanet 2822, MedGen C1858479, MONDO:0011445, OMIM 604360.
Amyotrophic lateral sclerosis type 5 (ALS5). Also called: AMYOTROPHIC LATERAL SCLEROSIS 5, JUVENILE. Identifiers: Orphanet 300605, MedGen C1865864, MONDO:0011196, OMIM 602099.

Submissions (10):

Labcorp Genetics (formerly Invitae), Labcorp
Classification: Benign for Hereditary spastic paraplegia 11. Last evaluated: 2026-01-27. Review status: criteria provided, single submitter. Criteria: Invitae Variant Classification Sherloc (09022015). Collection method: clinical testing. Allele origin: germline.

Blueprint Genetics
Classification: Likely benign. Last evaluated: 2024-11-13. Review status: criteria provided, single submitter. Criteria: ACMG Guidelines, 2015. Collection method: clinical testing. Allele origin: germline.

Athena Diagnostics
Classification: Benign. Last evaluated: 2024-04-10. Review status: criteria provided, single submitter. Criteria: Athena Diagnostics Criteria. Collection method: clinical testing. Allele origin: unknown.

Genome Diagnostics Laboratory, The Hospital for Sick Children
Classification: Likely benign for Hereditary spastic paraplegia. Last evaluated: 2020-04-01. Review status: criteria provided, single submitter. Criteria: ACMG Guidelines, 2015. Collection method: clinical testing. Allele origin: germline. Affected: yes.

Mayo Clinic Laboratories, Mayo Clinic
Classification: Benign. Last evaluated: 2019-11-15. Review status: criteria provided, single submitter. Criteria: ACMG Guidelines, 2015. Collection method: clinical testing. Allele origin: germline. Observed: 7 variant alleles.

GeneDx
Classification: Benign. Last evaluated: 2017-07-06. Review status: criteria provided, single submitter. Criteria: GeneDx Variant Classification (06012015). Collection method: clinical testing. Allele origin: germline. Affected: yes.
Comment: This variant is considered likely benign or benign based on one or more of the following criteria: it is a conservative change, it occurs at a poorly conserved position in the protein, it is predicted to be benign by multiple in silico algorithms, and/or has population frequency not consistent with disease.

Center for Pediatric Genomic Medicine, Children's Mercy Hospital and Clinics
Classification: Likely benign. Last evaluated: 2017-05-03. Review status: criteria provided, single submitter. Criteria: ACMG Guidelines, 2015. Collection method: clinical testing. Allele origin: germline.

Genome-Nilou Lab
Classification: Likely benign for Amyotrophic lateral sclerosis type 5. Review status: criteria provided, single submitter. Criteria: ACMG Guidelines, 2015. Collection method: clinical testing. Allele origin: germline.

Genome-Nilou Lab
Classification: Likely benign for Charcot-Marie-Tooth disease axonal type 2X. Review status: criteria provided, single submitter. Criteria: ACMG Guidelines, 2015. Collection method: clinical testing. Allele origin: germline.

Genome-Nilou Lab
Classification: Likely benign for Hereditary spastic paraplegia 11. Review status: criteria provided, single submitter. Criteria: ACMG Guidelines, 2015. Collection method: clinical testing. Allele origin: germline.

Literature cited by the submitters: PubMed 21035867 (cited by Athena Diagnostics).

NM_025137.4(SPG11):c.258-6del

Gene: SPG11 (SPG11 vesicle trafficking associated, spatacsin; minus strand). Cytogenetic location: 15q21.1.
Variant type: Deletion.
Coding change: c.258-6del on transcript NM_025137.4 (MANE Select); 6 bases into the intron before coding-DNA position 258, one base deleted (T; older notation c.258-6delT).
Molecular consequence: intron variant.
Genome position (GRCh38, 1-based): chr15:44,660,622, A deleted on the plus strand (T on the coding strand, the reverse complement: SPG11 is on the minus strand); the first of 7 consecutive A bases (chr15:44,660,622-44,660,628); deleting any one gives the same sequence. VCF-style (leftmost placement, unchanged base first): chr15-44660621-GA-G. GRCh37 (hg19) VCF-style: chr15-44952819-GA-G.
Other names: p.?; c.258-6delT (NM_025137.3); c.258-6del (NM_001160227.2).
Identifiers: ClinVar variation 445763 (VCV000445763.21), dbSNP rs373234269, ClinGen allele CA7535888.